The following is an entry in ClinVar:

NM_017617.5(NOTCH1):c.2576C>T (p.Thr859Met)

Gene: NOTCH1 (notch receptor 1; minus strand). Cytogenetic location: 9q34.3.
Variant type: single nucleotide variant.
Coding change: c.2576C>T on transcript NM_017617.5 (MANE Select); coding-DNA position 2576, C replaced by T.
Protein change: p.Thr859Met; replaces threonine 859 with methionine.
Molecular consequence: missense variant.
Genome position (GRCh38, 1-based): chr9:136,511,163, G>A on the plus strand (C>T on the coding strand, the complement: NOTCH1 is on the minus strand). VCF-style: chr9-136511163-G-A. GRCh37 (hg19) VCF-style: chr9-139405615-G-A.
Other names: c.2576C>T, p.Thr859Met (LRG_1122t1); c.2576C>T (NM_017617.4); short protein forms T859M.
Identifiers: ClinVar variation 520097 (VCV000520097.23), dbSNP rs199505287, ClinGen allele CA5341266.

ClinVar aggregate classification (germline): Conflicting classifications of pathogenicity. Review status: criteria provided, conflicting classifications (1 of 4 stars). 9 submissions from 8 submitters: Uncertain significance (6); Benign (1); Likely benign (1). 1 of the submissions does not count toward it. Last evaluated 2025-10-14.

Conditions:
Adams-Oliver syndrome 5 (AOS5). Identifiers: Orphanet 974, MedGen C4014970, MONDO:0014459, OMIM 616028.
Familial thoracic aortic aneurysm and aortic dissection (TAAD). Also called: Thoracic aortic aneurysms and dissections. Identifiers: Orphanet 91387, MedGen C4707243, MONDO:0019625.
NOTCH1-related disorder. Also called: NOTCH1-related disorders; NOTCH1-related condition.
Aortic valve disease 1 (AOVD1). Identifiers: MedGen C3887892, MONDO:0024523, OMIM 109730.

Allele frequency attached by ClinVar (database versions not stated): gnomAD 0.00004; gnomAD exomes 0.00004; TOPMed 0.00005; ExAC 0.00002.
gnomAD v4.1: 58 of 1,612,768 alleles (0.0036%); highest among the groups gnomAD compares: Non-Finnish European, 0.0044%; no homozygotes.

Submissions (9):

Labcorp Genetics (formerly Invitae), Labcorp
Classification: Benign for Adams-Oliver syndrome 5. Last evaluated: 2025-10-14. Review status: criteria provided, single submitter. Criteria: Invitae Variant Classification Sherloc (09022015). Collection method: clinical testing. Allele origin: germline.

Revvity Omics, Revvity
Classification: Uncertain significance. Last evaluated: 2025-06-11. Review status: criteria provided, single submitter. Criteria: ACMG Guidelines, 2015. Collection method: clinical testing. Allele origin: germline.

Women's Health and Genetics/Laboratory Corporation of America, LabCorp
Classification: Likely benign. Last evaluated: 2024-11-11. Review status: criteria provided, single submitter. Criteria: LabCorp Variant Classification Summary - May 2015. Collection method: clinical testing. Allele origin: germline.
Comment: Variant summary: NOTCH1 c.2576C>T (p.Thr859Met) results in a non-conservative amino acid change located in the Growth factor receptor domain (IPR009030) of the encoded protein sequence. Three of four in-silico tools predict a benign effect of the variant on protein function. The variant allele was found at a frequency of 3.6e-05 in 1612768 control chromosomes. The observed variant frequency is approximately 57.54 fold of the estimated maximal expected allele frequency for a pathogenic variant in NOTCH1 causing Adams-Oliver Syndrome 5 phenotype (6.3e-07). To our knowledge, no occurrence of c.2576C>T in individuals affected with Adams-Oliver Syndrome 5 and no experimental evidence demonstrating its impact on protein function have been reported. ClinVar contains an entry for this variant (Variation ID: 520097). Based on the evidence outlined above, the variant was classified as likely benign.

GeneDx
Classification: Uncertain significance. Last evaluated: 2023-05-04. Review status: criteria provided, single submitter. Criteria: GeneDx Variant Classification Process June 2021. Collection method: clinical testing. Allele origin: germline. Affected: yes.
Comment: Has not been previously published as pathogenic or benign to our knowledge; In silico analysis supports that this missense variant does not alter protein structure/function

Ambry Genetics
Classification: Uncertain significance for Familial thoracic aortic aneurysm and aortic dissection. Last evaluated: 2023-03-12. Review status: criteria provided, single submitter. Criteria: Ambry Variant Classification Scheme 2023. Collection method: clinical testing. Allele origin: germline.
Comment: The p.T859M variant (also known as c.2576C>T), located in coding exon 16 of the NOTCH1 gene, results from a C to T substitution at nucleotide position 2576. The threonine at codon 859 is replaced by methionine, an amino acid with similar properties. This amino acid position is poorly conserved in available vertebrate species. In addition, this alteration is predicted to be tolerated by in silico analysis. Since supporting evidence is limited at this time, the clinical significance of this alteration remains unclear.

Genome-Nilou Lab
Classification: Uncertain significance for Adams-Oliver syndrome 5. Last evaluated: 2022-03-15. Review status: criteria provided, single submitter. Criteria: ACMG Guidelines, 2015. Collection method: clinical testing. Allele origin: germline. Affected: no.

Genome-Nilou Lab
Classification: Uncertain significance for Aortic valve disease 1. Last evaluated: 2022-03-15. Review status: criteria provided, single submitter. Criteria: ACMG Guidelines, 2015. Collection method: clinical testing. Allele origin: germline. Affected: no.

Fulgent Genetics
Classification: Uncertain significance for Aortic valve disease 1; Adams-Oliver syndrome 5. Last evaluated: 2021-10-08. Review status: criteria provided, single submitter. Criteria: ACMG Guidelines, 2015. Collection method: clinical testing. Allele origin: unknown.

PreventionGenetics, part of Exact Sciences
Classification: Uncertain significance for NOTCH1-related condition. Last evaluated: 2023-11-30. Review status: no assertion criteria provided. Collection method: clinical testing. Allele origin: germline. Not counted in ClinVar's aggregate classification.
Comment: The NOTCH1 c.2576C>T variant is predicted to result in the amino acid substitution p.Thr859Met. To our knowledge, this variant has not been reported in the literature in individuals with NOTCH1-related disorders. This variant is reported in 0.0063% of alleles in individuals of European (Non-Finnish) descent in gnomAD. At this time, the clinical significance of this variant is uncertain due to the absence of conclusive functional and genetic evidence.